The following is an entry in ClinVar:

NM_000532.5(PCCB):c.895G>T (p.Val299Phe)

Gene: PCCB (propionyl-CoA carboxylase subunit beta; plus strand). Cytogenetic location: 3q22.3.
Variant type: single nucleotide variant.
Coding change: c.895G>T on transcript NM_000532.5 (MANE Select); coding-DNA position 895, G replaced by T.
Protein change: p.Val299Phe; replaces valine 299 with phenylalanine.
Molecular consequence: missense variant.
Genome position (GRCh38, 1-based): chr3:136,301,040, G>T. VCF-style: chr3-136301040-G-T. GRCh37 (hg19) VCF-style: chr3-136019882-G-T.
Other names: c.955G>T, p.Val319Phe (NM_001178014.2); short protein forms V299F, V319F.
Identifiers: ClinVar variation 199033 (VCV000199033.6), dbSNP rs794727960, ClinGen allele CA248004.
Genomic context (GRCh38, chr3:136,301,040, plus strand): 5'-GTAACTGGCTCTTCCTATGTTGACTATACCTGCCTTTTTTCTGCCTAAAGTGACCGTCTG[G>T]TTCCTGAGCTTGACACAATTGTCCCTTTGGAATCAACCAAAGCCTACAACATGGTGGACA-3'
Protein context (NP_000523.2, residues 289-309): RECHDPSDRL[Val299Phe]PELDTIVPLE

ClinVar aggregate classification (germline): Uncertain significance. Review status: criteria provided, multiple submitters, no conflicts (2 of 4 stars). 2 submissions from 2 submitters: Uncertain significance (2). Last evaluated 2026-02-11.

gnomAD v4.1: 2 of 1,614,070 alleles (0.00012%); highest among the groups gnomAD compares: Non-Finnish European, 0.00017%; no homozygotes.

Submissions (2):

Women's Health and Genetics/Laboratory Corporation of America, LabCorp
Classification: Uncertain significance. Last evaluated: 2026-02-11. Review status: criteria provided, single submitter. Criteria: LabCorp Variant Classification Summary - May 2015. Collection method: clinical testing. Allele origin: germline.
Comment: Variant summary: PCCB c.895G>T (p.Val299Phe) results in a non-conservative amino acid change in the encoded protein sequence. Algorithms developed to predict the effect of missense changes on protein structure and function all suggest that this variant is likely to be disruptive. The variant was absent in 251456 control chromosomes. The available data on variant occurrences in the general population are insufficient to allow any conclusion about variant significance. c.895G>T has been observed in at least one asymptomatic infant who screened positive for Propionic Acidemia via newborn screening (example: Kraus_2012, Reischl-Hajiabadi_2024). This report does not provide unequivocal conclusions about association of the variant with Propionic Acidemia. To our knowledge, no experimental evidence demonstrating an impact on protein function has been reported. The following publications have been ascertained in the context of this evaluation (PMID: 22033733, 38563533). ClinVar contains an entry for this variant (Variation ID: 199033). Based on the evidence outlined above, the variant was classified as uncertain significance.

Eurofins Ntd Llc (ga)
Classification: Uncertain significance. Last evaluated: 2014-06-09. Review status: criteria provided, single submitter. Criteria: EGL Classification Definitions 2015. Collection method: clinical testing. Allele origin: germline. Observed: 2 variant alleles, 1 heterozygote, 1 homozygote.

Literature cited by the submitters: PubMed 22033733 (cited by Women's Health and Genetics/Laboratory Corporation of America, LabCorp and Eurofins Ntd Llc (ga)); PubMed 38563533 (cited by Women's Health and Genetics/Laboratory Corporation of America, LabCorp).